The following is an entry in ClinVar:

NM_002691.4(POLD1):c.568G>A (p.Val190Met)

Gene: POLD1 (DNA polymerase delta 1, catalytic subunit; plus strand). Cytogenetic location: 19q13.33.
Variant type: single nucleotide variant.
Coding change: c.568G>A on transcript NM_002691.4 (MANE Select); coding-DNA position 568, G replaced by A.
Protein change: p.Val190Met; replaces valine 190 with methionine.
Molecular consequence: missense variant. On other transcripts: non-coding transcript variant (1).
Genome position (GRCh38, 1-based): chr19:50,402,103, G>A. VCF-style: chr19-50402103-G-A. GRCh37 (hg19) VCF-style: chr19-50905360-G-A.
Other names: c.568G>A, p.Val190Met (NM_001256849.1, NM_001308632.1); short protein forms V190M.
Identifiers: ClinVar variation 469367 (VCV000469367.14), dbSNP rs1274728448, ClinGen allele CA406973407.

ClinVar aggregate classification (germline): Conflicting classifications of pathogenicity. Review status: criteria provided, conflicting classifications (1 of 4 stars). 3 submissions from 3 submitters: Uncertain significance (2); Likely benign (1). Last evaluated 2025-11-03.

Conditions:
Hereditary cancer-predisposing syndrome. Also called: Neoplastic Syndromes, Hereditary; Hereditary neoplastic syndrome; Tumor predisposition; Hereditary Cancer Syndrome. Identifiers: Orphanet 140162, MedGen C0027672, MeSH D009386, MONDO:0015356.
POLD1-related polyposis and colorectal cancer syndrome (CRCS10). Also called: Colorectal cancer 10; COLORECTAL CANCER, SUSCEPTIBILITY TO, ON CHROMOSOME 19q; Colorectal cancer, susceptibility to, 10. Identifiers: Orphanet 220460, MedGen C2675481, MONDO:0012953, OMIM 612591.

Allele frequency attached by ClinVar (database versions not stated): gnomAD exomes below 0.00001; TOPMed below 0.00001; gnomAD 0.00001.
gnomAD v4.1: 3 of 1,613,278 alleles (0.00019%); highest among the groups gnomAD compares: Admixed American, 0.0033%; no homozygotes.

Submissions (3):

Labcorp Genetics (formerly Invitae), Labcorp
Classification: Uncertain significance for POLD1-related polyposis and colorectal cancer syndrome. Last evaluated: 2025-11-03. Review status: criteria provided, single submitter. Criteria: Invitae Variant Classification Sherloc (09022015). Collection method: clinical testing. Allele origin: germline.
Comment: This sequence change replaces valine, which is neutral and non-polar, with methionine, which is neutral and non-polar, at codon 190 of the POLD1 protein (p.Val190Met). This variant is present in population databases (no rsID available, gnomAD 0.003%). This variant has not been reported in the literature in individuals affected with POLD1-related conditions. ClinVar contains an entry for this variant (Variation ID: 469367). Invitae Evidence Modeling of protein sequence and biophysical properties (such as structural, functional, and spatial information, amino acid conservation, physicochemical variation, residue mobility, and thermodynamic stability) indicates that this missense variant is not expected to disrupt POLD1 protein function with a negative predictive value of 80%. In summary, the available evidence is currently insufficient to determine the role of this variant in disease. Therefore, it has been classified as a Variant of Uncertain Significance.

Ambry Genetics
Classification: Likely benign for Hereditary cancer-predisposing syndrome. Last evaluated: 2024-12-23. Review status: criteria provided, single submitter. Criteria: Ambry Variant Classification Scheme 2023. Collection method: clinical testing. Allele origin: germline.

GeneDx
Classification: Uncertain significance. Last evaluated: 2023-03-15. Review status: criteria provided, single submitter. Criteria: GeneDx Variant Classification Process June 2021. Collection method: clinical testing. Allele origin: germline. Affected: yes.
Comment: Not observed at significant frequency in large population cohorts (gnomAD); In silico analysis supports that this missense variant has a deleterious effect on protein structure/function; Has not been previously published as pathogenic or benign to our knowledge